The following is an entry in ClinVar:

ClinVar aggregate classification (germline): Uncertain significance. Review status: criteria provided, multiple submitters, no conflicts (2 of 4 stars). 2 submissions from 2 submitters: Uncertain significance (2). Last evaluated 2023-09-22.

Conditions:
Inborn genetic diseases. Identifiers: MedGen C0950123, MeSH D030342.

Allele frequency attached by ClinVar (database versions not stated): gnomAD 0.00001; TOPMed 0.00001; gnomAD exomes 0.00002.
gnomAD v4.1: 29 of 1,613,608 alleles (0.0018%); highest among the groups gnomAD compares: South Asian, 0.0022%; no homozygotes.

Submissions (2):

Ambry Genetics
Classification: Uncertain significance for Inborn genetic diseases. Last evaluated: 2023-09-22. Review status: criteria provided, single submitter. Criteria: Ambry Variant Classification Scheme 2023. Collection method: clinical testing. Allele origin: germline.

Labcorp Genetics (formerly Invitae), Labcorp
Classification: Uncertain significance. Last evaluated: 2022-08-15. Review status: criteria provided, single submitter. Criteria: Invitae Variant Classification Sherloc (09022015). Collection method: clinical testing. Allele origin: germline.
Comment: The frequency data for this variant in the population databases is considered unreliable, as metrics indicate poor data quality at this position in the gnomAD database. This sequence change replaces glutamic acid, which is acidic and polar, with glycine, which is neutral and non-polar, at codon 2765 of the ANK3 protein (p.Glu2765Gly). This variant has not been reported in the literature in individuals affected with ANK3-related conditions. In summary, the available evidence is currently insufficient to determine the role of this variant in disease. Therefore, it has been classified as a Variant of Uncertain Significance. Algorithms developed to predict the effect of missense changes on protein structure and function are either unavailable or do not agree on the potential impact of this missense change (SIFT: "Not Available"; PolyPhen-2: "Probably Damaging"; Align-GVGD: "Not Available").

NM_020987.5(ANK3):c.8294A>G (p.Glu2765Gly)

Gene: ANK3 (ankyrin 3; minus strand). Cytogenetic location: 10q21.2.
Variant type: single nucleotide variant.
Coding change: c.8294A>G on transcript NM_020987.5 (MANE Select); coding-DNA position 8294, A replaced by G.
Protein change: p.Glu2765Gly; replaces glutamic acid 2765 with glycine.
Molecular consequence: missense variant. On other transcripts: intron variant (4).
Genome position (GRCh38, 1-based): chr10:60,072,587, T>C on the plus strand (A>G on the coding strand, the complement: ANK3 is on the minus strand). VCF-style: chr10-60072587-T-C. GRCh37 (hg19) VCF-style: chr10-61832345-T-C.
Other names: c.8294A>G (NM_020987.3); c.4388-4578A>G (NM_001204403.2); c.4409-4578A>G (NM_001204404.2); c.4406-4578A>G (NM_001320874.2); c.1808-4578A>G (NM_001149.4); short protein forms E2765G.
Identifiers: ClinVar variation 1909145 (VCV001909145.6), dbSNP rs1385226404, ClinGen allele CA377008163.